The following is an entry in ClinVar:

ClinVar aggregate classification (germline): Uncertain significance (1 of 4 stars; one submission).

Submission:

Athena Diagnostics
Classification: Uncertain significance. Last evaluated: 2023-06-19. Review status: criteria provided, single submitter. Criteria: Athena Diagnostics Criteria. Collection method: clinical testing. Allele origin: unknown.
Comment: Available data are insufficient to determine the clinical significance of the variant at this time. This variant has not been reported in large, multi-ethnic general populations. Computational tools predict that this variant is not damaging.

NM_015346.4(ZFYVE26):c.2495C>A (p.Pro832Gln)

Gene: ZFYVE26 (zinc finger FYVE-type containing 26; minus strand). Cytogenetic location: 14q24.1.
Variant type: single nucleotide variant.
Coding change: c.2495C>A on transcript NM_015346.4 (MANE Select); coding-DNA position 2495, C replaced by A.
Protein change: p.Pro832Gln; replaces proline 832 with glutamine.
Molecular consequence: missense variant.
Genome position (GRCh38, 1-based): chr14:67,793,666, G>T on the plus strand (C>A on the coding strand, the complement: ZFYVE26 is on the minus strand). VCF-style: chr14-67793666-G-T. GRCh37 (hg19) VCF-style: chr14-68260383-G-T.
Other names: short protein forms P832Q.
Identifiers: ClinVar variation 2684005 (VCV002684005.1), dbSNP rs780308957, ClinGen allele CA390174310.
Genomic context (GRCh38, chr14:67,793,666, plus strand): 5'-ACCTGATGGGCTTCTGCGAAGTTCCCGCGAAGGATGCAGGATGCCAGCAGTGACTCAGGT[G>T]GGGAGAACATCATGGGGATGAGTGAACTTTGAGGATGGGGGTGCAATCTACTGTGCAGCT-3'
Protein context (NP_056161.2, residues 822-842): QSSLIPMMFS[Pro832Gln]PESLLASCIL